The following is an entry in ClinVar:

NM_002473.6(MYH9):c.5521G>A (p.Glu1841Lys)

Gene: MYH9 (myosin heavy chain 9; minus strand). Cytogenetic location: 22q12.3.
Variant type: single nucleotide variant.
Coding change: c.5521G>A on transcript NM_002473.6 (MANE Select); coding-DNA position 5521, G replaced by A.
Protein change: p.Glu1841Lys; replaces glutamic acid 1841 with lysine.
Molecular consequence: missense variant.
Genome position (GRCh38, 1-based): chr22:36,284,474, C>T on the plus strand (G>A on the coding strand, the complement: MYH9 is on the minus strand). VCF-style: chr22-36284474-C-T. GRCh37 (hg19) VCF-style: chr22-36680520-C-T.
Other names: c.5521G>A (NM_002473.5); short protein forms E1841K.
Identifiers: ClinVar variation 14073 (VCV000014073.62), dbSNP rs80338834, ClinGen allele CA257085.

ClinVar aggregate classification (germline): Pathogenic/Likely pathogenic. Review status: criteria provided, multiple submitters, no conflicts (2 of 4 stars). 17 submissions from 17 submitters: Pathogenic (14); Likely pathogenic (1). 2 of the submissions do not count toward it. Last evaluated 2026-04-02.

Conditions:
MYH9-related disorder. Identifiers: MedGen C1854520.
Deafness. Identifiers: MedGen C0011053.
Autosomal dominant nonsyndromic hearing loss 17. Also called: Deafness, autosomal dominant 17; Autosomal dominant nonsyndromic deafness 17. Identifiers: Orphanet 90635, MedGen C1863659, MONDO:0011350, OMIM 603622.
Macrothrombocytopenia and granulocyte inclusions with or without nephritis or sensorineural hearing loss (MATINS). Also called: MAY-HEGGLIN ANOMALY; MACROTHROMBOCYTOPENIA WITH LEUKOCYTE INCLUSIONS; BLEEDING DISORDER, PLATELET-TYPE, 6; DOHLE LEUKOCYTE INCLUSIONS WITH GIANT PLATELETS; SEBASTIAN PLATELET SYNDROME; MACROTHROMBOCYTOPENIA WITH DISPERSED LEUKOCYTIC INCLUSIONS. Identifiers: Orphanet 182050, MedGen C5200934, MONDO:0015912, OMIM 155100.

Submissions 1 to 11 of 17:

PreventionGenetics, part of Exact Sciences
Classification: Pathogenic for MYH9-related condition. Last evaluated: 2026-04-02. Review status: criteria provided, single submitter. Criteria: ACMG Guidelines, 2015. Collection method: clinical testing. Allele origin: germline.
Comment: The MYH9 c.5521G>A variant is predicted to result in the amino acid substitution p.Glu1841Lys. This variant has been reported to be associated with autosomal dominant MYH9-related disorders in many unrelated patients (Seri et al. 2000. PubMed ID: 10973259; Dong et al. 2005. PubMed ID: 16098078; Franke et al. 2005. PubMed ID: 15339844; Poopak et al. 2011. PubMed ID: 21083612). This variant has not been reported in a large population database (gnomAD), indicating this variant is rare, and is classified as pathogenic by several submitters to the ClinVar database (Variation ID: 14073). This variant is interpreted as pathogenic.

Labcorp Genetics (formerly Invitae), Labcorp
Classification: Pathogenic. Last evaluated: 2025-12-02. Review status: criteria provided, single submitter. Criteria: Invitae Variant Classification Sherloc (09022015). Collection method: clinical testing. Allele origin: germline.
Comment: This sequence change replaces glutamic acid, which is acidic and polar, with lysine, which is basic and polar, at codon 1841 of the MYH9 protein (p.Glu1841Lys). This variant is not present in population databases (gnomAD no frequency). This missense change has been observed in individuals with MYH9-related disorders (PMID: 10973259, 11159552, 23207509). ClinVar contains an entry for this variant (Variation ID: 14073). Invitae Evidence Modeling of protein sequence and biophysical properties (such as structural, functional, and spatial information, amino acid conservation, physicochemical variation, residue mobility, and thermodynamic stability) indicates that this missense variant is not expected to disrupt MYH9 protein function with a negative predictive value of 80%. Experimental studies have shown that this missense change affects MYH9 function (PMID: 15339844). For these reasons, this variant has been classified as Pathogenic.

Center for Genomic Medicine, Rigshospitalet, Copenhagen University Hospital
Classification: Pathogenic. Last evaluated: 2025-03-04. Review status: criteria provided, single submitter. Criteria: ACMG Guidelines, 2015. Collection method: clinical testing. Allele origin: germline.

CeGaT Center for Human Genetics Tuebingen
Classification: Pathogenic. Last evaluated: 2025-03-01. Review status: criteria provided, single submitter. Criteria: CeGaT Center For Human Genetics Tuebingen Variant Classification Criteria Version 2. Collection method: clinical testing. Allele origin: germline. Affected: yes. Observed: 3 variant alleles.
Comment: MYH9: PP1:Strong, PM1, PM2, PS3:Moderate, PS4:Moderate

Mayo Clinic Laboratories, Mayo Clinic
Classification: Pathogenic. Last evaluated: 2024-12-04. Review status: criteria provided, single submitter. Criteria: ACMG Guidelines, 2015. Collection method: clinical testing. Allele origin: germline. Observed: 3 variant alleles.
Comment: PP2, PP3_moderate, PM2_supporting, PS3, PS4_moderate

Dubai Health Genomic Medicine Center, Dubai Health
Classification: Pathogenic for Deafness. Last evaluated: 2024-10-04. Review status: criteria provided, single submitter. Criteria: ACMG Guidelines, 2015. Collection method: research. Allele origin: germline. Affected: yes.
Comment: PS4,PS3,PM2

3billion
Classification: Pathogenic for Macrothrombocytopenia and granulocyte inclusions with or without nephritis or sensorineural hearing loss. Last evaluated: 2024-09-04. Review status: criteria provided, single submitter. Criteria: ACMG Guidelines, 2015. Collection method: clinical testing. Allele origin: germline. Affected: yes.
Comment: The variant is not observed in the gnomAD v4.0.0 dataset. Predicted Consequence/Location: Missense changes are a common disease-causing mechanism. In silico tool predictions suggest damaging effect of the variant on gene or gene product [REVEL: 0.91 (>=0.6, sensitivity 0.68 and specificity 0.92); 3Cnet: 0.00 (>=0.6, sensitivity 0.72 and precision 0.9)]. The same nucleotide change resulting in the same amino acid change has been previously reported as pathogenic/likely pathogenic with strong evidence (ClinVar ID: VCV000014073 /PMID: 10973259 /3billion dataset). The variant has been observed in multiple (>3) similarly affected unrelated individuals (PMID: 24186861). Therefore, this variant is classified as Pathogenic according to the recommendation of ACMG/AMP guideline.

Women's Health and Genetics/Laboratory Corporation of America, LabCorp
Classification: Pathogenic for Macrothrombocytopenia and granulocyte inclusions with or without nephritis or sensorineural hearing loss. Last evaluated: 2024-07-08. Review status: criteria provided, single submitter. Criteria: LabCorp Variant Classification Summary - May 2015. Collection method: clinical testing. Allele origin: germline.
Comment: Variant summary: MYH9 c.5521G>A (p.Glu1841Lys) results in a conservative amino acid change located in the Myosin tail domain (IPR002928) of the encoded protein sequence. Four of five in-silico tools predict a damaging effect of the variant on protein function. The variant was absent in 250896 control chromosomes. c.5521G>A has been reported in the literature in multiple individuals affected with May-Hegglin anomaly (example, Kelley_2000). These data indicate that the variant is very likely to be associated with disease. At least one publication reports experimental evidence evaluating an impact on protein function. The most pronounced variant effect results in partial loss of coiled-coil structure of MYH9 in vitro (Franke_2005). The following publications have been ascertained in the context of this evaluation (PMID: 15339844, 10973260). ClinVar contains an entry for this variant (Variation ID: 14073). Based on the evidence outlined above, the variant was classified as pathogenic.

GeneDx
Classification: Pathogenic. Last evaluated: 2023-05-19. Review status: criteria provided, single submitter. Criteria: GeneDx Variant Classification Process June 2021. Collection method: clinical testing. Allele origin: germline. Affected: yes.
Comment: Published functional studies demonstrate the p.(E1841K) variant is sufficient to induce phenotypes observed in MYH9-related disease (Zhang et al., 2012; Cechova et al., 2018); Not observed at significant frequency in large population cohorts (gnomAD); In silico analysis supports that this missense variant has a deleterious effect on protein structure/function; This variant is associated with the following publications: (PMID: 31922599, 22211851, 23744320, 27353381, 12126520, 26247237, 31064749, 23207509, 22080149, 15339844, 21083612, 23298314, 28993503, 30950024, 21516706, 10973259, 26226608, 31243205, 10973260, 8280620, 11590545, 22558294, 28748566, 22952321, 25077172, 32315395, 33855781, 33188738, 33288657, 35584211, 35764499, 35740994, 37070941, 21908426)

Blueprint Genetics
Classification: Pathogenic for MYH9-related disorders. Last evaluated: 2022-12-30. Review status: criteria provided, single submitter. Criteria: ACMG Guidelines, 2015. Collection method: clinical testing. Allele origin: germline. Affected: yes. Observed: 4 variant alleles.

Clinical Genetics Laboratory, Skane University Hospital Lund
Classification: Pathogenic. Last evaluated: 2022-07-13. Review status: criteria provided, single submitter. Criteria: ACMG Guidelines, 2015. Collection method: clinical testing. Allele origin: germline. Affected: yes.